The following is an entry in ClinVar:

ClinVar aggregate classification (germline): Uncertain significance (1 of 4 stars; one submission).

Conditions:
Cardiovascular phenotype. Identifiers: MedGen CN230736.

gnomAD v4.1: 19 of 1,612,654 alleles (0.0012%); highest among the groups gnomAD compares: African/African-American, 0.0067%; no homozygotes.

Submission:

Ambry Genetics
Classification: Uncertain significance for Cardiovascular phenotype. Last evaluated: 2023-02-16. Review status: criteria provided, single submitter. Criteria: Ambry Variant Classification Scheme 2023. Collection method: clinical testing. Allele origin: germline.
Comment: The p.V2488M variant (also known as c.7462G>A), located in coding exon 20 of the TNXB gene, results from a G to A substitution at nucleotide position 7462. The valine at codon 2488 is replaced by methionine, an amino acid with highly similar properties. This amino acid position is conserved. In addition, this alteration is predicted to be tolerated by in silico analysis. Since supporting evidence is limited at this time, the clinical significance of this alteration remains unclear.

NM_001365276.2(TNXB):c.7462G>A (p.Val2488Met)

Gene: TNXB (tenascin XB; minus strand). Cytogenetic location: 6p21.33.
Variant type: single nucleotide variant.
Coding change: c.7462G>A on transcript NM_001365276.2 (MANE Select); coding-DNA position 7462, G replaced by A.
Protein change: p.Val2488Met; replaces valine 2488 with methionine.
Molecular consequence: missense variant.
Genome position (GRCh38, 1-based): chr6:32,061,427, C>T on the plus strand (G>A on the coding strand, the complement: TNXB is on the minus strand). VCF-style: chr6-32061427-C-T. GRCh37 (hg19) VCF-style: chr6-32029204-C-T.
Other names: c.7462G>A, p.Val2488Met (NM_019105.8); short protein forms V2488M.
Identifiers: ClinVar variation 2206281 (VCV002206281.2), dbSNP rs376140750, ClinGen allele CA3734147.